The following is an entry in ClinVar:

ClinVar aggregate classification (germline): Pathogenic (1 of 4 stars; one submission).

Conditions:
Malan overgrowth syndrome (MALNS). Also called: MALAN SYNDROME; Sotos syndrome 2; NFIX-Related Malan Syndrome. Identifiers: Orphanet 420179, MedGen C3553660, MONDO:0013885, OMIM 614753.
Marshall-Smith syndrome (MRSHSS). Identifiers: Orphanet 561, MedGen C0265211, MONDO:0011244, OMIM 602535.

Submission:

Labcorp Genetics (formerly Invitae), Labcorp
Classification: Pathogenic for Malan overgrowth syndrome; Marshall-Smith syndrome. Last evaluated: 2023-11-04. Review status: criteria provided, single submitter. Criteria: Invitae Variant Classification Sherloc (09022015). Collection method: clinical testing. Allele origin: germline.
Comment: This variant is a gross deletion of the genomic region encompassing exon(s) 6-7 of the NFIX gene. This deletion is out-of-frame, and is expected to create a premature termination codon and result in an absent or disrupted protein product. Loss-of-function variants in NFIX are known to be pathogenic (PMID: 20673863, 20949508, 24924640, 25118028). This variant has not been reported in the literature in individuals affected with NFIX-related conditions. For these reasons, this variant has been classified as Pathogenic.

Literature cited by the submitters: PubMed 20673863; PubMed 20949508; PubMed 24924640; PubMed 25118028.

NC_000019.9:g.(?_13186329)_(13189569_?)del

Gene: NFIX (nuclear factor I X; plus strand). Cytogenetic location: 19p13.2.
Variant type: Deletion.
Identifiers: ClinVar variation 1410036 (VCV001410036.6).